The following is an entry in ClinVar:

ClinVar aggregate classification (germline): Uncertain significance (1 of 4 stars; one submission).

gnomAD v4.1: 2 of 1,613,154 alleles (0.00012%); highest among the groups gnomAD compares: Non-Finnish European, 0.00017%; no homozygotes.

Submission:

Labcorp Genetics (formerly Invitae), Labcorp
Classification: Uncertain significance. Last evaluated: 2023-12-06. Review status: criteria provided, single submitter. Criteria: Invitae Variant Classification Sherloc (09022015). Collection method: clinical testing. Allele origin: germline.
Comment: This sequence change replaces valine, which is neutral and non-polar, with leucine, which is neutral and non-polar, at codon 323 of the TUBA8 protein (p.Val323Leu). This variant is not present in population databases (gnomAD no frequency). This variant has not been reported in the literature in individuals affected with TUBA8-related conditions. ClinVar contains an entry for this variant (Variation ID: 2106593). Advanced modeling of protein sequence and biophysical properties (such as structural, functional, and spatial information, amino acid conservation, physicochemical variation, residue mobility, and thermodynamic stability) has been performed at Invitae for this missense variant, however the output from this modeling did not meet the statistical confidence thresholds required to predict the impact of this variant on TUBA8 protein function. In summary, the available evidence is currently insufficient to determine the role of this variant in disease. Therefore, it has been classified as a Variant of Uncertain Significance.

NM_018943.3(TUBA8):c.967G>C (p.Val323Leu)

Gene: TUBA8 (tubulin alpha 8; plus strand). Cytogenetic location: 22q11.21.
Variant type: single nucleotide variant.
Coding change: c.967G>C on transcript NM_018943.3 (MANE Select); coding-DNA position 967, G replaced by C.
Protein change: p.Val323Leu; replaces valine 323 with leucine.
Molecular consequence: missense variant.
Genome position (GRCh38, 1-based): chr22:18,126,945, G>C. VCF-style: chr22-18126945-G-C. GRCh37 (hg19) VCF-style: chr22-18609712-G-C.
Other names: c.769G>C, p.Val257Leu (NM_001193414.2); short protein forms V257L, V323L.
Identifiers: ClinVar variation 2106593 (VCV002106593.4), dbSNP rs151102020, ClinGen allele CA410265303.
Genomic context (GRCh38, chr22:18,126,945, plus strand): 5'-GTGAAGTGCGACCCGAGACATGGCAAGTACATGGCCTGCTGCATGCTCTACCGGGGCGAC[G>C]TGGTGCCCAAGGATGTGAATGTCGCTATTGCTGCCATCAAGACCAAGAGGACCATCCAGT-3'
Protein context (NP_061816.1, residues 313-333): MACCMLYRGD[Val323Leu]VPKDVNVAIA